The following is an entry in ClinVar:

ClinVar aggregate classification (germline): Likely pathogenic (1 of 4 stars; one submission).

Conditions:
Peroxisome biogenesis disorder. Identifiers: Orphanet 79189, MedGen C1832200, MONDO:0019234. Disease mechanism: loss of function.

Submission:

Myriad Genetics, Inc.
Classification: Likely pathogenic for Peroxisome biogenesis disorder. Last evaluated: 2022-02-17. Review status: criteria provided, single submitter. Criteria: Myriad Autosomal Dominant, Autosomal Recessive and X-Linked Classification Criteria (2023). Collection method: clinical testing. Allele origin: unknown.
Comment: NM_000466.2(PEX1):c.3422delG(G1141Efs*6) is expected to be pathogenic in the context of peroxisome biogenesis disorder type 1. This variant is predicted to lead to an abnormal or absent protein product due to the creation of a premature termination codon in PEX1, a gene where loss-of-function variants are known to be pathogenic. Please note: this variant was assessed in the context of healthy population screening.

NM_000466.3(PEX1):c.3422del (p.Gly1141fs)

Genes: GATAD1 (GATA zinc finger domain containing 1; plus strand), PEX1 (peroxisomal biogenesis factor 1; minus strand). Cytogenetic location: 7q21.2.
Variant type: Deletion.
Coding change: c.3422del on transcript NM_000466.3 (MANE Select); coding-DNA position 3422, one base deleted (G; older notation c.3422delG).
Protein change: p.Gly1141fs; shifts the reading frame from glycine 1141.
Molecular consequence: frameshift variant.
Genome position (GRCh38, 1-based): chr7:92,491,288, C deleted on the plus strand (G on the coding strand, the reverse complement: PEX1 is on the minus strand); the first of 2 consecutive C bases (chr7:92,491,288-92,491,289); deleting either gives the same sequence. VCF-style (leftmost placement, unchanged base first): chr7-92491287-TC-T. GRCh37 (hg19) VCF-style: chr7-92120601-TC-T.
Other names: c.3251del, p.Gly1084fs (NM_001282677.2); c.2798del, p.Gly933fs (NM_001282678.2); short protein forms G1084fs, G1141fs, G933fs.
Identifiers: ClinVar variation 1724441 (VCV001724441.3), dbSNP rs2484620697, ClinGen allele CA2580077471.